The following is an entry in ClinVar:

NM_001035.3(RYR2):c.12775C>T (p.Leu4259Phe)

Genes: RYR2 (ryanodine receptor 2; plus strand), LOC126806068 (BRD4-independent group 4 enhancer GRCh37_chr1:237947411-237948610; plus strand). Cytogenetic location: 1q43.
Variant type: single nucleotide variant.
Coding change: c.12775C>T on transcript NM_001035.3 (MANE Select); coding-DNA position 12775, C replaced by T.
Protein change: p.Leu4259Phe; replaces leucine 4259 with phenylalanine.
Molecular consequence: missense variant.
Genome position (GRCh38, 1-based): chr1:237,784,487, C>T. VCF-style: chr1-237784487-C-T. GRCh37 (hg19) VCF-style: chr1-237947787-C-T.
Other names: short protein forms L4259F.
Identifiers: ClinVar variation 2088446 (VCV002088446.2), dbSNP rs2527791876, ClinGen allele CA345414135.

ClinVar aggregate classification (germline): Uncertain significance. Review status: criteria provided, multiple submitters, no conflicts (2 of 4 stars). 2 submissions from 2 submitters: Uncertain significance (2). Last evaluated 2025-06-23.

Conditions:
Catecholaminergic polymorphic ventricular tachycardia 1. Also called: RYR2-Related Catecholaminergic Polymorphic Ventricular Tachycardia; VENTRICULAR TACHYCARDIA, STRESS-INDUCED POLYMORPHIC 1; VENTRICULAR TACHYCARDIA, CATECHOLAMINERGIC POLYMORPHIC, 1, WITH OR WITHOUT ATRIAL DYSFUNCTION AND/OR DILATED CARDIOMYOPATHY. Identifiers: Orphanet 3286, MedGen C1631597, MONDO:0011484, OMIM 604772.
Cardiomyopathy (CMYO). Also called: Cardiomyopathies. Identifiers: Orphanet 167848, MedGen C0878544, MONDO:0004994, HP:0001638. Inheritance: Various modes of inheritance.

Allele frequency attached by ClinVar (database versions not stated): gnomAD exomes below 0.00001.
gnomAD v4.1: 1 of 1,613,458 alleles (0.000062%); highest among the groups gnomAD compares: South Asian, 0.0011%; no homozygotes.

Submissions (2):

Color Diagnostics, LLC DBA Color Health
Classification: Uncertain significance for Cardiomyopathy. Last evaluated: 2025-06-23. Review status: criteria provided, single submitter. Criteria: ACMG Guidelines, 2015. Collection method: clinical testing. Allele origin: germline.
Comment: This missense variant replaces leucine with phenylalanine at codon 4259 of the RYR2 protein. Computational prediction suggests that this variant may not impact protein structure and function. To our knowledge, functional studies have not been reported for this variant. This variant has not been reported in individuals affected with RYR2-related disorders in the literature. This variant has not been identified in the general population by the Genome Aggregation Database (gnomAD). The available evidence is insufficient to determine the role of this variant in disease conclusively. Therefore, this variant is classified as a Variant of Uncertain Significance.

Labcorp Genetics (formerly Invitae), Labcorp
Classification: Uncertain significance for Catecholaminergic polymorphic ventricular tachycardia 1. Last evaluated: 2022-01-20. Review status: criteria provided, single submitter. Criteria: Invitae Variant Classification Sherloc (09022015). Collection method: clinical testing. Allele origin: germline.
Comment: This sequence change replaces leucine, which is neutral and non-polar, with phenylalanine, which is neutral and non-polar, at codon 4259 of the RYR2 protein (p.Leu4259Phe). This variant is not present in population databases (gnomAD no frequency). This variant has not been reported in the literature in individuals affected with RYR2-related conditions. Advanced modeling of protein sequence and biophysical properties (such as structural, functional, and spatial information, amino acid conservation, physicochemical variation, residue mobility, and thermodynamic stability) performed at Invitae indicates that this missense variant is not expected to disrupt RYR2 protein function. In summary, the available evidence is currently insufficient to determine the role of this variant in disease. Therefore, it has been classified as a Variant of Uncertain Significance.